The following is an entry in ClinVar:

NM_001128148.3(TFRC):c.311C>T (p.Thr104Ile)

Gene: TFRC (transferrin receptor; minus strand). Cytogenetic location: 3q29.
Variant type: single nucleotide variant.
Coding change: c.311C>T on transcript NM_001128148.3 (MANE Select); coding-DNA position 311, C replaced by T.
Protein change: p.Thr104Ile; replaces threonine 104 with isoleucine.
Molecular consequence: missense variant. On other transcripts: intron variant (1).
Genome position (GRCh38, 1-based): chr3:196,074,053, G>A on the plus strand (C>T on the coding strand, the complement: TFRC is on the minus strand). VCF-style: chr3-196074053-G-A. GRCh37 (hg19) VCF-style: chr3-195800924-G-A.
Other names: c.68C>T, p.Thr23Ile (NM_001313965.2); c.311C>T, p.Thr104Ile (NM_003234.4); c.-412-1901C>T (NM_001313966.2); short protein forms T104I, T23I.
Identifiers: ClinVar variation 1722209 (VCV001722209.5), dbSNP rs2473991029, ClinGen allele CA355578286.

ClinVar aggregate classification (germline): Uncertain significance (1 of 4 stars; one submission).

Allele frequency attached by ClinVar (database versions not stated): gnomAD exomes below 0.00001.
gnomAD v4.1: 1 of 1,614,088 alleles (0.000062%); highest among the groups gnomAD compares: Non-Finnish European, 0.000085%; no homozygotes.

Submission:

Labcorp Genetics (formerly Invitae), Labcorp
Classification: Uncertain significance. Last evaluated: 2022-10-26. Review status: criteria provided, single submitter. Criteria: Invitae Variant Classification Sherloc (09022015). Collection method: clinical testing. Allele origin: germline.
Comment: In summary, the available evidence is currently insufficient to determine the role of this variant in disease. Therefore, it has been classified as a Variant of Uncertain Significance. Algorithms developed to predict the effect of missense changes on protein structure and function (SIFT, PolyPhen-2, Align-GVGD) all suggest that this variant is likely to be tolerated. This variant has not been reported in the literature in individuals affected with TFRC-related conditions. This variant is not present in population databases (gnomAD no frequency). This sequence change replaces threonine, which is neutral and polar, with isoleucine, which is neutral and non-polar, at codon 104 of the TFRC protein (p.Thr104Ile).